The following is an entry in ClinVar:

ClinVar aggregate classification (germline): Uncertain significance. Review status: criteria provided, multiple submitters, no conflicts (2 of 4 stars). 2 submissions from 2 submitters: Uncertain significance (2). Last evaluated 2024-11-03.

gnomAD v4.1: 16 of 1,593,392 alleles (0.001%); highest among the groups gnomAD compares: East Asian, 0.029%; no homozygotes.

Submissions (2):

Labcorp Genetics (formerly Invitae), Labcorp
Classification: Uncertain significance. Last evaluated: 2024-11-03. Review status: criteria provided, single submitter. Criteria: Invitae Variant Classification Sherloc (09022015). Collection method: clinical testing. Allele origin: germline.
Comment: This sequence change falls in intron 2 of the SRP54 gene. It does not directly change the encoded amino acid sequence of the SRP54 protein. It affects a nucleotide within the consensus splice site. This variant is present in population databases (rs758336240, gnomAD 0.05%). This variant has not been reported in the literature in individuals affected with SRP54-related conditions. Variants that disrupt the consensus splice site are a relatively common cause of aberrant splicing (PMID: 17576681, 9536098). Algorithms developed to predict the effect of sequence changes on RNA splicing suggest that this variant is not likely to affect RNA splicing. In summary, the available evidence is currently insufficient to determine the role of this variant in disease. Therefore, it has been classified as a Variant of Uncertain Significance.

Genetic Services Laboratory, University of Chicago
Classification: Uncertain significance. Last evaluated: 2023-01-23. Review status: criteria provided, single submitter. Criteria: ACMG Guidelines, 2015. Collection method: clinical testing. Allele origin: germline. Affected: no.
Comment: DNA sequence analysis of the SRP54 gene demonstrated a sequence change in intron 2, c.78+3A>G. This change does not appear to have been previously described in individuals with SRP54-related disorders. This sequence change has been described in the gnomAD database with a frequency of 0.04% in the East Asian subpopulation (dbSNP rs758336240). This sequence change is not predicted to have a deleterious effect on splicing based on in-silico splice prediction programs. The functional significance of this sequence change is not known at present and its contribution to this individual's disease phenotype cannot definitively be determined.

Literature cited by the submitters: PubMed 17576681 (cited by Labcorp Genetics (formerly Invitae), Labcorp); PubMed 9536098 (cited by Labcorp Genetics (formerly Invitae), Labcorp).

NM_003136.4(SRP54):c.78+3A>G

Gene: SRP54 (signal recognition particle 54; plus strand). Cytogenetic location: 14q13.2.
Variant type: single nucleotide variant.
Coding change: c.78+3A>G on transcript NM_003136.4 (MANE Select); 3 bases into the intron after coding-DNA position 78, A replaced by G.
Molecular consequence: intron variant.
Genome position (GRCh38, 1-based): chr14:34,996,790, A>G. VCF-style: chr14-34996790-A-G. GRCh37 (hg19) VCF-style: chr14-35465996-A-G.
Other names: c.78+3A>G (NM_001411017.1, NM_003136.3); c.23+3A>G (NM_001146282.2).
Identifiers: ClinVar variation 3621409 (VCV003621409.4).
Genomic context (GRCh38, chr14:34,996,790, plus strand): 5'-AAGAAAAATAACATCAGCATTACGCTCGTTGAGCAATGCCACCATTATCAATGAAGAGGT[A>G]TGTAAAATATTGTATGAAATATATATGATTGTATATTGTCACTAGCATTGGGAAGATGGC-3'